The following is an entry in ClinVar:

NM_001393797.1(ABCC12):c.2598C>T (p.Gly866=)

Gene: ABCC12 (ATP binding cassette subfamily C member 12; minus strand). Cytogenetic location: 16q12.1.
Variant type: single nucleotide variant.
Coding change: c.2598C>T on transcript NM_001393797.1 (MANE Select); coding-DNA position 2598, C replaced by T.
Protein change: p.Gly866=; no amino-acid change (glycine 866 retained).
Molecular consequence: synonymous variant. On other transcripts: non-coding transcript variant (6).
Genome position (GRCh38, 1-based): chr16:48,105,214, G>A on the plus strand (C>T on the coding strand, the complement: ABCC12 is on the minus strand). VCF-style: chr16-48105214-G-A. GRCh37 (hg19) VCF-style: chr16-48139125-G-A.
Other names: c.2598C>T, p.Gly866= (NM_033226.3).
Identifiers: ClinVar variation 4992046 (VCV004992046.1).

ClinVar aggregate classification (germline): Likely benign (1 of 4 stars; one submission).

Conditions:
ABCC12-related condition.

gnomAD v4.1: 681 of 1,614,130 alleles (0.042%); highest among the groups gnomAD compares: African/African-American, 0.64%; 4 homozygotes.

Submission:

PreventionGenetics, part of Exact Sciences
Classification: Likely benign for ABCC12-related condition. Last evaluated: 2025-11-18. Review status: criteria provided, single submitter. Criteria: ACMG Guidelines, 2015. Collection method: clinical testing. Allele origin: germline.
Comment: This variant is classified as likely benign based on ACMG/AMP sequence variant interpretation guidelines (Richards et al. 2015 PMID: 25741868, with internal and published modifications).